The following is an entry in ClinVar:

ClinVar aggregate classification (germline): Uncertain significance (1 of 4 stars; one submission).

Conditions:
Hereditary cancer-predisposing syndrome. Also called: Neoplastic Syndromes, Hereditary; Tumor predisposition; Hereditary Cancer Syndrome; Hereditary neoplastic syndrome. Identifiers: Orphanet 140162, MedGen C0027672, MeSH D009386, MONDO:0015356.

Submission:

Ambry Genetics
Classification: Uncertain significance for Hereditary cancer-predisposing syndrome. Last evaluated: 2022-04-09. Review status: criteria provided, single submitter. Criteria: Ambry Variant Classification Scheme 2023. Collection method: clinical testing. Allele origin: germline.
Comment: The p.C303R variant (also known as c.907T>C), located in coding exon 9 of the PMS2 gene, results from a T to C substitution at nucleotide position 907. The cysteine at codon 303 is replaced by arginine, an amino acid with highly dissimilar properties. This amino acid position is conserved. In addition, the in silico prediction for this alteration is inconclusive. Since supporting evidence is limited at this time, the clinical significance of this alteration remains unclear.

NM_000535.7(PMS2):c.907T>C (p.Cys303Arg)

Gene: PMS2 (PMS1 homolog 2, mismatch repair system component; minus strand). Cytogenetic location: 7p22.1.
Variant type: single nucleotide variant.
Coding change: c.907T>C on transcript NM_000535.7 (MANE Select); coding-DNA position 907, T replaced by C.
Protein change: p.Cys303Arg; replaces cysteine 303 with arginine.
Molecular consequence: missense variant. On other transcripts: 5 prime UTR variant (2), non-coding transcript variant (1).
Genome position (GRCh38, 1-based): chr7:5,992,054, A>G on the plus strand (T>C on the coding strand, the complement: PMS2 is on the minus strand). VCF-style: chr7-5992054-A-G. GRCh37 (hg19) VCF-style: chr7-6031685-A-G.
Other names: c.502T>C, p.Cys168Arg (NM_001018040.1, NM_001322003.2, NM_001322004.2 and 20 more transcripts); c.907T>C, p.Cys303Arg (NM_001322006.2, NM_001322014.2, NM_001406870.1 and 2 more transcripts); c.589T>C, p.Cys197Arg (NM_001322007.2, NM_001322008.2, NM_001406876.1 and 4 more transcripts); c.-27T>C (NM_001322011.2, NM_001322012.2); c.334T>C, p.Cys112Arg (NM_001322013.2, NM_001406909.1); c.598T>C, p.Cys200Arg (NM_001322015.2, NM_001406875.1, NM_001406877.1 and 6 more transcripts); c.1093T>C, p.Cys365Arg (NM_001406866.1); c.931T>C, p.Cys311Arg (NM_001406868.1); and 7 more; short protein forms C181R, C237R, C247R, C303R, C168R, C191R, C46R, C267R.
Identifiers: ClinVar variation 1765711 (VCV001765711.2), dbSNP rs2536017998, ClinGen allele CA366743221.